The following is an entry in ClinVar:

ClinVar aggregate classification (germline): Conflicting classifications of pathogenicity. Review status: criteria provided, conflicting classifications (1 of 4 stars). 3 submissions from 3 submitters: Pathogenic (2); Uncertain significance (1). Last evaluated 2025-11-16.

Conditions:
Hereditary cancer-predisposing syndrome. Also called: Hereditary neoplastic syndrome; Tumor predisposition; Hereditary Cancer Syndrome; Neoplastic Syndromes, Hereditary. Identifiers: Orphanet 140162, MedGen C0027672, MeSH D009386, MONDO:0015356.
Cardiovascular phenotype. Identifiers: MedGen CN230736.

gnomAD v4.1: 1 of 1,613,140 alleles (0.000062%); highest among the groups gnomAD compares: African/African-American, 0.0013%; no homozygotes.

Submissions (3):

Labcorp Genetics (formerly Invitae), Labcorp
Classification: Pathogenic. Last evaluated: 2025-11-16. Review status: criteria provided, single submitter. Criteria: Invitae Variant Classification Sherloc (09022015). Collection method: clinical testing. Allele origin: germline.
Comment: This sequence change affects an acceptor splice site in intron 15 of the LZTR1 gene. It is expected to disrupt RNA splicing. Variants that disrupt the donor or acceptor splice site typically lead to a loss of protein function (PMID: 16199547), and loss-of-function variants in LZTR1 are known to be pathogenic (PMID: 24362817, 25335493, 25480913, 25795793, 29469822, 30368668, 30442762, 30442766, 30481304, 30859559). This variant is not present in population databases (gnomAD no frequency). Disruption of this splice site has been observed in individuals with clinical features of schwannomatosis (PMID: 29384852; internal data). ClinVar contains an entry for this variant (Variation ID: 1482255). Algorithms developed to predict the effect of sequence changes on RNA splicing suggest that this variant may disrupt the consensus splice site. For these reasons, this variant has been classified as Pathogenic.

Ambry Genetics
Classification: Uncertain significance for Cardiovascular phenotype; Hereditary cancer-predisposing syndrome. Last evaluated: 2025-08-08. Review status: criteria provided, single submitter. Criteria: Ambry Variant Classification Scheme 2023. Collection method: clinical testing. Allele origin: germline.
Comment: The c.1786-2A>G intronic variant results from an A to G substitution two nucleotides upstream from coding exon 16 in the LZTR1 gene. Alterations that disrupt the canonical splice site are expected to result in aberrant splicing. In silico splice site analysis predicts that this alteration will weaken the native splice acceptor site and may result in the creation or strengthening of a novel splice acceptor site. RNA studies have demonstrated that this alteration results in a transcript predicted to lead to a protein with an in-frame deletion of 15 amino acids; however, the exact functional impact of the deleted amino acids is unknown at this time (Ambry internal data). This nucleotide position is highly conserved in available vertebrate species. Since supporting evidence is limited at this time, the clinical significance of this alteration remains unclear.

CeGaT Center for Human Genetics Tuebingen
Classification: Pathogenic. Last evaluated: 2025-01-01. Review status: criteria provided, single submitter. Criteria: CeGaT Center For Human Genetics Tuebingen Variant Classification Criteria Version 2. Collection method: clinical testing. Allele origin: germline. Affected: yes. Observed: 2 variant alleles.
Comment: LZTR1: PVS1, PM2

Literature cited by the submitters: PubMed 16199547 (cited by Labcorp Genetics (formerly Invitae), Labcorp); PubMed 24362817 (cited by Labcorp Genetics (formerly Invitae), Labcorp); PubMed 25335493 (cited by Labcorp Genetics (formerly Invitae), Labcorp); PubMed 25480913 (cited by Labcorp Genetics (formerly Invitae), Labcorp); PubMed 25795793 (cited by Labcorp Genetics (formerly Invitae), Labcorp); PubMed 29469822 (cited by Labcorp Genetics (formerly Invitae), Labcorp); PubMed 30368668 (cited by Labcorp Genetics (formerly Invitae), Labcorp); PubMed 30442762 (cited by Labcorp Genetics (formerly Invitae), Labcorp); PubMed 30442766 (cited by Labcorp Genetics (formerly Invitae), Labcorp); PubMed 30481304 (cited by Labcorp Genetics (formerly Invitae), Labcorp); PubMed 30859559 (cited by Labcorp Genetics (formerly Invitae), Labcorp); PubMed 29384852 (cited by Labcorp Genetics (formerly Invitae), Labcorp).

NM_006767.4(LZTR1):c.1786-2A>G

Gene: LZTR1 (leucine zipper like post translational regulator 1; plus strand). Cytogenetic location: 22q11.21.
Variant type: single nucleotide variant.
Coding change: c.1786-2A>G on transcript NM_006767.4 (MANE Select); the canonical splice acceptor site of the intron before coding-DNA position 1786, A replaced by G.
Molecular consequence: splice acceptor variant.
Genome position (GRCh38, 1-based): chr22:20,994,868, A>G. VCF-style: chr22-20994868-A-G. GRCh37 (hg19) VCF-style: chr22-21349157-A-G.
Other names: c.1786-2A>G (NM_006767.3).
Identifiers: ClinVar variation 1482255 (VCV001482255.30), dbSNP rs2147968271, ClinGen allele CA410778442.